The following is an entry in ClinVar:

ClinVar aggregate classification (germline): Uncertain significance (1 of 4 stars; one submission).

Submission:

GeneDx
Classification: Uncertain significance. Last evaluated: 2026-03-28. Review status: criteria provided, single submitter. Criteria: GeneDx Variant Classification Process June 2021. Collection method: clinical testing. Allele origin: germline.
Comment: Not observed at significant frequency in large population cohorts (gnomAD); In silico analysis supports that this missense variant has a deleterious effect on protein structure/function; Has not been previously published as pathogenic or benign to our knowledge

NM_005068.3(SIM1):c.422C>T (p.Thr141Ile)

Gene: SIM1 (SIM bHLH transcription factor 1; minus strand). Cytogenetic location: 6q16.3.
Variant type: single nucleotide variant.
Coding change: c.422C>T on transcript NM_005068.3 (MANE Select); coding-DNA position 422, C replaced by T.
Protein change: p.Thr141Ile; replaces threonine 141 with isoleucine.
Molecular consequence: missense variant.
Genome position (GRCh38, 1-based): chr6:100,449,626, G>A on the plus strand (C>T on the coding strand, the complement: SIM1 is on the minus strand). VCF-style: chr6-100449626-G-A. GRCh37 (hg19) VCF-style: chr6-100897502-G-A.
Other names: c.422C>T, p.Thr141Ile (NM_001374769.1); short protein forms T141I.
Identifiers: ClinVar variation 5017787 (VCV005017787.1).
Genomic context (GRCh38, chr6:100,449,626, plus strand): 5'-CGTCGCAGGCATGTGTCTACCTTACCCTGCACGAAGTGAGAGTGGTAGGGTTGATGGGCG[G>A]TGAGCACCGCCGTCATCTCGTCGTGGTCTGCCGGGTGAATGTATTCATAAATGCTGTTTC-3'
Protein context (NP_005059.2, residues 131-151): ADHDEMTAVL[Thr141Ile]AHQPYHSHFV